The following is an entry in ClinVar:

NM_005120.3(MED12):c.3935T>C (p.Leu1312Ser)

Gene: MED12 (mediator complex subunit 12; plus strand). Cytogenetic location: Xq13.1.
Variant type: single nucleotide variant.
Coding change: c.3935T>C on transcript NM_005120.3 (MANE Select); coding-DNA position 3935, T replaced by C.
Protein change: p.Leu1312Ser; replaces leucine 1312 with serine.
Molecular consequence: missense variant.
Genome position (GRCh38, 1-based): chrX:71,130,102, T>C. VCF-style: chrX-71130102-T-C. GRCh37 (hg19) VCF-style: chrX-70349952-T-C.
Other names: short protein forms L1312S.
Identifiers: ClinVar variation 1210245 (VCV001210245.2), dbSNP rs2147808505, ClinGen allele CA413523182.

ClinVar aggregate classification (germline): not provided (0 of 4 stars; one submission).

Conditions:
FG syndrome 1 (OKS). Also called: OPITZ-KAVEGGIA SYNDROME; KELLER SYNDROME; MENTAL RETARDATION, LARGE HEAD, IMPERFORATE ANUS, CONGENITAL HYPOTONIA, AND PARTIAL AGENESIS OF CORPUS CALLOSUM; FG Syndrome Type 1 (FGS1). Identifiers: Orphanet 93932, MedGen C5399762, MONDO:0010590, OMIM 305450.

Submission:

GeneReviews
No classification provided. Condition: FG syndrome. Review status: no classification provided. Collection method: literature only. Allele origin: germline.

Literature cited by the submitters: PubMed 34079076; PubMed 20301719.